The following is an entry in ClinVar:

NM_001267550.2(TTN):c.43481-3T>A

Gene: TTN (titin; minus strand). Cytogenetic location: 2q31.2.
Variant type: single nucleotide variant.
Coding change: c.43481-3T>A on transcript NM_001267550.2 (MANE Select); 3 bases into the intron before coding-DNA position 43481, T replaced by A.
Molecular consequence: intron variant.
Genome position (GRCh38, 1-based): chr2:178,632,416, A>T on the plus strand (T>A on the coding strand, the complement: TTN is on the minus strand). VCF-style: chr2-178632416-A-T. GRCh37 (hg19) VCF-style: chr2-179497143-A-T.
Other names: c.16286-3T>A (NM_003319.4); c.16862-3T>A (NM_133437.4); c.16661-3T>A (NM_133432.3); c.35777-3T>A (NM_133378.4); c.38558-3T>A (NM_001256850.1).
Identifiers: ClinVar variation 3393052 (VCV003393052.2).

ClinVar aggregate classification (germline): Uncertain significance. Review status: criteria provided, multiple submitters, no conflicts (2 of 4 stars). 2 submissions from 2 submitters: Uncertain significance (2). Last evaluated 2024-11-01.

Conditions:
autosomal dominant dilated cardiomyopathy.
autosomal dominant myopathies.
autosomal recessive myopathies.
Cardiovascular phenotype. Identifiers: MedGen CN230736.

Submissions (2):

Ambry Genetics
Classification: Uncertain significance for Cardiovascular phenotype. Last evaluated: 2024-11-01. Review status: criteria provided, single submitter. Criteria: Ambry Variant Classification Scheme 2023. Collection method: clinical testing. Allele origin: germline.
Comment: The c.16286-3T>A intronic variant results from a T to A substitution 3 nucleotides upstream from coding exon 63 in the TTN gene. This nucleotide position is not well conserved in available vertebrate species. In silico splice site analysis predicts that this alteration will not have any significant effect on splicing. Based on the available evidence, the clinical significance of this variant remains unclear.

Clinical Genomics Laboratory, Stanford Medicine
Classification: Uncertain significance for autosomal dominant dilated cardiomyopathy; autosomal dominant myopathies; autosomal recessive myopathies. Last evaluated: 2022-11-15. Review status: criteria provided, single submitter. Criteria: ACMG Guidelines, 2015. Collection method: clinical testing. Allele origin: germline. Observed: 1 variant allele, 1 heterozygote.
Comment: The c.43481-3T>A variant in the TTN gene has not been previously reported in association with disease. This variant was absent from large population databases, including the Genome Aggregation Database. This variant occurs in the 3’ splice site and computational tools do not consistently predict an impact to splicing. However, the accuracy of these computational tools is limited. These data were assessed using the ACMG/AMP variant interpretation guidelines. In summary, the significance of the c.43481-3T>A variant is uncertain. Additional information is needed to resolve the significance of this variant. [ACMG evidence codes used: PM2]